The following is an entry in ClinVar:

NM_001035.3(RYR2):c.401C>G (p.Ser134Cys)

Gene: RYR2 (ryanodine receptor 2; plus strand). Cytogenetic location: 1q43.
Variant type: single nucleotide variant.
Coding change: c.401C>G on transcript NM_001035.3 (MANE Select); coding-DNA position 401, C replaced by G.
Protein change: p.Ser134Cys; replaces serine 134 with cysteine.
Molecular consequence: missense variant.
Genome position (GRCh38, 1-based): chr1:237,374,733, C>G. VCF-style: chr1-237374733-C-G. GRCh37 (hg19) VCF-style: chr1-237538033-C-G.
Other names: short protein forms S134C.
Identifiers: ClinVar variation 1020934 (VCV001020934.12), dbSNP rs768757680, ClinGen allele CA086520.
Genomic context (GRCh38, chr1:237,374,733, plus strand): 5'-CGAACAAAACCTCTACTTACAACTACTGATTTTGTACTTTGTAGTATCTGTGCTGCCTGT[C>G]CACCTCCCGGTCTTCAACTGATAAGCTGGCTTTTGATGTTGGCTTGCAAGAGGACACCAC-3'
Protein context (NP_001026.2, residues 124-144): SYSGMYLCCL[Ser134Cys]TSRSSTDKLA

ClinVar aggregate classification (germline): Uncertain significance. Review status: criteria provided, multiple submitters, no conflicts (2 of 4 stars). 3 submissions from 3 submitters: Uncertain significance (3). Last evaluated 2025-02-19.

Conditions:
Catecholaminergic polymorphic ventricular tachycardia (CVPT). Also called: Catecholamine-induced polymorphic ventricular tachycardia. Identifiers: Orphanet 3286, MedGen C5574922, MONDO:0017990.
Catecholaminergic polymorphic ventricular tachycardia 1. Also called: VENTRICULAR TACHYCARDIA, STRESS-INDUCED POLYMORPHIC 1; VENTRICULAR TACHYCARDIA, CATECHOLAMINERGIC POLYMORPHIC, 1, WITH OR WITHOUT ATRIAL DYSFUNCTION AND/OR DILATED CARDIOMYOPATHY; RYR2-Related Catecholaminergic Polymorphic Ventricular Tachycardia. Identifiers: Orphanet 3286, MedGen C1631597, MONDO:0011484, OMIM 604772.

Allele frequency attached by ClinVar (database versions not stated): gnomAD exomes below 0.00001 and 0.00001; ExAC 0.00001.
gnomAD v4.1: 4 of 1,612,724 alleles (0.00025%); highest among the groups gnomAD compares: Non-Finnish European, 0.00025%; no homozygotes.

Submissions (3):

Labcorp Genetics (formerly Invitae), Labcorp
Classification: Uncertain significance for Catecholaminergic polymorphic ventricular tachycardia 1. Last evaluated: 2025-02-19. Review status: criteria provided, single submitter. Criteria: Invitae Variant Classification Sherloc (09022015). Collection method: clinical testing. Allele origin: germline.
Comment: This sequence change replaces serine, which is neutral and polar, with cysteine, which is neutral and slightly polar, at codon 134 of the RYR2 protein (p.Ser134Cys). This variant is present in population databases (rs768757680, gnomAD 0.002%). This variant has not been reported in the literature in individuals affected with RYR2-related conditions. ClinVar contains an entry for this variant (Variation ID: 1020934). Invitae Evidence Modeling of protein sequence and biophysical properties (such as structural, functional, and spatial information, amino acid conservation, physicochemical variation, residue mobility, and thermodynamic stability) has been performed for this missense variant. However, the output from this modeling did not meet the statistical confidence thresholds required to predict the impact of this variant on RYR2 protein function. In summary, the available evidence is currently insufficient to determine the role of this variant in disease. Therefore, it has been classified as a Variant of Uncertain Significance.

Dasa
Classification: Uncertain significance. Last evaluated: 2024-12-13. Review status: criteria provided, single submitter. Criteria: DASA Assertion Criteria. Collection method: clinical testing. Allele origin: germline.
Comment: NM_001035.3(RYR2):c.401C>G (p.Ser134Cys) is a missense variant that results in the substitution of serine with cysteine. This variant is rare in population databases. Computational prediction algorithms are consistent with a deleterious effect. The currently available literature and clinical evidence are not sufficient to establish a definitive association between this variant and the reported condition. Therefore, this variant is classified as a variant of uncertain significance.

All of Us Research Program, National Institutes of Health
Classification: Uncertain significance for Catecholaminergic polymorphic ventricular tachycardia. Last evaluated: 2023-08-08. Review status: criteria provided, single submitter. Criteria: ACMG Guidelines, 2015. Collection method: clinical testing. Allele origin: germline. Inheritance: Autosomal dominant inheritance. Observed: 3 variant alleles, 3 heterozygotes.
Comment: This missense variant replaces serine with cysteine at codon 134 of the RYR2 protein. Computational prediction suggests that this variant may have deleterious impact on protein structure and function (internally defined REVEL score threshold >= 0.7, PMID: 27666373). To our knowledge, functional studies have not been reported for this variant. This variant has not been reported in individuals affected with RYR2-related disorders in the literature. This variant has been identified in 2/247500 chromosomes in the general population by the Genome Aggregation Database (gnomAD). The available evidence is insufficient to determine the role of this variant in disease conclusively. Therefore, this variant is classified as a Variant of Uncertain Significance.

This study involves interpretation of variants in research participants for the purpose of population health screening. Participant phenotype was not available at the time of variant classification. Additional details can be found in publication PMID: 35346344, PMCID: PMC8962531